The following is an entry in ClinVar:

NM_001849.4(COL6A2):c.2879C>T (p.Ser960Leu)

Gene: COL6A2 (collagen type VI alpha 2 chain; plus strand). Cytogenetic location: 21q22.3.
Variant type: single nucleotide variant.
Coding change: c.2879C>T on transcript NM_001849.4 (MANE Select); coding-DNA position 2879, C replaced by T.
Protein change: p.Ser960Leu; replaces serine 960 with leucine.
Molecular consequence: missense variant.
Genome position (GRCh38, 1-based): chr21:46,132,371, C>T. VCF-style: chr21-46132371-C-T. GRCh37 (hg19) VCF-style: chr21-47552285-C-T.
Other names: short protein forms S960L.
Identifiers: ClinVar variation 497520 (VCV000497520.16), dbSNP rs750097119, ClinGen allele CA10073073.

ClinVar aggregate classification (germline): Conflicting classifications of pathogenicity. Review status: criteria provided, conflicting classifications (1 of 4 stars). 4 submissions from 4 submitters: Uncertain significance (2); Likely benign (2). Last evaluated 2025-09-30.

Conditions:
COL6A2-related disorder.
Collagen 6-related myopathy. Identifiers: MedGen CN117976, MONDO:0100225.
Bethlem myopathy 1A. Also called: MYOPATHY, BENIGN CONGENITAL, WITH CONTRACTURES; Bethlem myopathy 1; Bethlem Muscular Dystrophy. Identifiers: Orphanet 610, MedGen CN029274, MONDO:0024530, OMIM 158810.

Allele frequency attached by ClinVar (database versions not stated): gnomAD 0.00001; TOPMed 0.00001; ExAC 0.00002; gnomAD exomes 0.00002.
gnomAD v4.1: 25 of 1,609,098 alleles (0.0016%); highest among the groups gnomAD compares: South Asian, 0.0099%; no homozygotes.

Submissions (4):

Labcorp Genetics (formerly Invitae), Labcorp
Classification: Likely benign for Bethlem myopathy 1A. Last evaluated: 2025-09-30. Review status: criteria provided, single submitter. Criteria: Invitae Variant Classification Sherloc (09022015). Collection method: clinical testing. Allele origin: germline.

PreventionGenetics, part of Exact Sciences
Classification: Uncertain significance for COL6A2-related condition. Last evaluated: 2025-05-12. Review status: criteria provided, single submitter. Criteria: ACMG Guidelines, 2015. Collection method: clinical testing. Allele origin: germline.
Comment: The COL6A2 c.2879C>T variant is predicted to result in the amino acid substitution p.Ser960Leu. This variant has been previously observed in a large cohort of individuals with limb girdle muscular dystrophy (Table S7, Nallamilli et al. 2018. PubMed ID: 30564623). This variant is reported in 0.0098% of alleles in individuals of South Asian descent in gnomAD. At this time, the clinical significance of this variant is uncertain due to the absence of conclusive functional and genetic evidence.

Illumina Laboratory Services, Illumina
Classification: Likely benign for Collagen VI-related myopathy. Last evaluated: 2018-01-12. Review status: criteria provided, single submitter. Criteria: ICSL Variant Classification Criteria 13 December 2019. Collection method: clinical testing. Allele origin: germline.
Comment: This variant was observed in the ICSL laboratory as part of a predisposition screen in an ostensibly healthy population. It had not been previously curated by ICSL or reported in the Human Gene Mutation Database (HGMD: prior to June 1st, 2018), and was therefore a candidate for classification through an automated scoring system. Utilizing variant allele frequency, disease prevalence and penetrance estimates, and inheritance mode, an automated score was calculated to assess if this variant is too frequent to cause the disease. Based on the score and internal cut-off values, a variant classified as likely benign is not then subjected to further curation. The score for this variant resulted in a classification of likely benign for this disease.

Eurofins Ntd Llc (ga)
Classification: Uncertain significance. Last evaluated: 2016-10-04. Review status: criteria provided, single submitter. Criteria: EGL Classification Definitions 2015. Collection method: clinical testing. Allele origin: germline. Observed: 1 variant allele, 1 heterozygote.